The following is an entry in ClinVar:

NM_001130009.3(GEN1):c.355C>T (p.His119Tyr)

Gene: GEN1 (GEN1 structure-specific endonuclease; plus strand). Cytogenetic location: 2p24.2.
Variant type: single nucleotide variant.
Coding change: c.355C>T on transcript NM_001130009.3 (MANE Select); coding-DNA position 355, C replaced by T.
Protein change: p.His119Tyr; replaces histidine 119 with tyrosine.
Molecular consequence: missense variant.
Genome position (GRCh38, 1-based): chr2:17,764,903, C>T. VCF-style: chr2-17764903-C-T. GRCh37 (hg19) VCF-style: chr2-17946170-C-T.
Other names: c.355C>T, p.His119Tyr (NM_182625.5); short protein forms H119Y.
Identifiers: ClinVar variation 5022281 (VCV005022281.1).

ClinVar aggregate classification (germline): Uncertain significance (1 of 4 stars; one submission).

Submission:

Ambry Genetics
Classification: Uncertain significance. Last evaluated: 2026-06-15. Review status: criteria provided, single submitter. Criteria: Ambry Variant Classification Scheme 2023. Collection method: clinical testing. Allele origin: germline.
Comment: The p.H119Y variant (also known as c.355C>T), located in coding exon 3 of the GEN1 gene, results from a C to T substitution at nucleotide position 355. The histidine at codon 119 is replaced by tyrosine, an amino acid with similar properties. This amino acid position is conserved. In addition, this alteration is predicted to be tolerated by in silico analysis. Based on the available evidence, the clinical significance of this variant remains unclear.